The following is an entry in ClinVar:

ClinVar aggregate classification (germline): Uncertain significance (1 of 4 stars; one submission).

Conditions:
Cohen syndrome (COH1). Also called: Cutis verticis gyrata, retinitis pigmentosa, and sensorineural deafness; PEPPER SYNDROME. Identifiers: Orphanet 193, MedGen C0265223, MONDO:0008999, OMIM 216550.

Submission:

Labcorp Genetics (formerly Invitae), Labcorp
Classification: Uncertain significance for Cohen syndrome. Last evaluated: 2020-10-01. Review status: criteria provided, single submitter. Criteria: Invitae Variant Classification Sherloc (09022015). Collection method: clinical testing. Allele origin: germline.
Comment: This variant results in a copy number gain of the genomic region encompassing exons 40-43 of the VPS13B gene. While the exact position of this variant cannot be determined from this data, sub-genic copy number gains are generally in tandem (PMID: 25640679). This variant would be expected to be in-frame, preserving the integrity of the reading frame. This variant has not been reported in the literature in individuals with VPS13B-related conditions. In summary, the available evidence is currently insufficient to determine the role of this variant in disease. Therefore, it has been classified as a Variant of Uncertain Significance.

Literature cited by the submitters: PubMed 25640679.

NC_000008.11:g.(?_99766774)_(99784476_?)dup

Gene: VPS13B (vacuolar protein sorting 13 homolog B; plus strand). Cytogenetic location: 8q22.2.
Variant type: Duplication.
Identifiers: ClinVar variation 833160 (VCV000833160.4).